The following is an entry in ClinVar:

NM_182961.4(SYNE1):c.21058T>G (p.Leu7020Val)

Gene: SYNE1 (spectrin repeat containing nuclear envelope protein 1; minus strand). Cytogenetic location: 6q25.2.
Variant type: single nucleotide variant.
Coding change: c.21058T>G on transcript NM_182961.4 (MANE Select); coding-DNA position 21058, T replaced by G.
Protein change: p.Leu7020Val; replaces leucine 7020 with valine.
Molecular consequence: missense variant.
Genome position (GRCh38, 1-based): chr6:152,230,684, A>C on the plus strand (T>G on the coding strand, the complement: SYNE1 is on the minus strand). VCF-style: chr6-152230684-A-C. GRCh37 (hg19) VCF-style: chr6-152551819-A-C.
Other names: c.20845T>G, p.Leu6949Val (NM_033071.5); short protein forms L7020V, L6949V.
Identifiers: ClinVar variation 2051752 (VCV002051752.4), dbSNP rs781402160, ClinGen allele CA4054259.

ClinVar aggregate classification (germline): Uncertain significance (1 of 4 stars; one submission).

Conditions:
Emery-Dreifuss muscular dystrophy 4, autosomal dominant (EDMD4). Also called: EMERY-DREIFUSS MUSCULAR DYSTROPHY 4 WITH VARIABLE FEATURES. Identifiers: Orphanet 261, MedGen C2751807, MONDO:0013071, OMIM 612998.
Autosomal recessive ataxia, Beauce type. Also called: SYNE1 Deficiency; Spinocerebellar ataxia, autosomal recessive 8; ATAXIA, RECESSIVE, OF BEAUCE; SYNE1-Related Autosomal Recessive Cerebellar Ataxia. Identifiers: Orphanet 88644, MedGen C1853116, MONDO:0012549, OMIM 610743.

Allele frequency attached by ClinVar (database versions not stated): gnomAD 0.00001; TOPMed 0.00001; ExAC 0.00002.
gnomAD v4.1: 8 of 1,613,930 alleles (0.0005%); highest among the groups gnomAD compares: Non-Finnish European, 0.00042%; no homozygotes.

Submission:

Labcorp Genetics (formerly Invitae), Labcorp
Classification: Uncertain significance for Emery-Dreifuss muscular dystrophy 4, autosomal dominant; Autosomal recessive ataxia, Beauce type. Last evaluated: 2025-03-03. Review status: criteria provided, single submitter. Criteria: Invitae Variant Classification Sherloc (09022015). Collection method: clinical testing. Allele origin: germline.
Comment: This sequence change replaces leucine, which is neutral and non-polar, with valine, which is neutral and non-polar, at codon 6949 of the SYNE1 protein (p.Leu6949Val). This variant is present in population databases (rs781402160, gnomAD 0.004%). This variant has not been reported in the literature in individuals affected with SYNE1-related conditions. ClinVar contains an entry for this variant (Variation ID: 2051752). An algorithm developed to predict the effect of missense changes on protein structure and function (PolyPhen-2) suggests that this variant is likely to be disruptive. In summary, the available evidence is currently insufficient to determine the role of this variant in disease. Therefore, it has been classified as a Variant of Uncertain Significance.